The following is an entry in ClinVar:

ClinVar aggregate classification (germline): Uncertain significance (1 of 4 stars; one submission).

Submission:

Women's Health and Genetics/Laboratory Corporation of America, LabCorp
Classification: Uncertain significance. Last evaluated: 2024-08-09. Review status: criteria provided, single submitter. Criteria: LabCorp Variant Classification Summary - May 2015. Collection method: clinical testing. Allele origin: germline.
Comment: Variant summary: DNAH11 c.9764T>C (p.Leu3255Ser) results in a non-conservative amino acid change located in the dynein heavy chain, coiled coil stalk (IPR024743) of the encoded protein sequence. Four of four in-silico tools predict a damaging effect of the variant on protein function. The variant was absent in 244026 control chromosomes (gnomAD). c.9764T>C has been reported in the literature in at least an individual affected with clinical features of primary ciliary dyskinesia (example: Knowles_2012). These report(s) do not provide unequivocal conclusions about association of the variant with Primary Ciliary Dyskinesia 7. To our knowledge, no experimental evidence demonstrating an impact on protein function has been reported. The following publication has been ascertained in the context of this evaluation (PMID: 22184204). No submitters have cited clinical-significance assessments for this variant to ClinVar. Based on the evidence outlined above, the variant was classified as uncertain significance.

Literature cited by the submitters: PubMed 22184204.

NM_001277115.2(DNAH11):c.9764T>C (p.Leu3255Ser)

Gene: DNAH11 (dynein axonemal heavy chain 11; plus strand). Cytogenetic location: 7p15.3.
Variant type: single nucleotide variant.
Coding change: c.9764T>C on transcript NM_001277115.2 (MANE Select); coding-DNA position 9764, T replaced by C.
Protein change: p.Leu3255Ser; replaces leucine 3255 with serine.
Molecular consequence: missense variant.
Genome position (GRCh38, 1-based): chr7:21,787,423, T>C. VCF-style: chr7-21787423-T-C. GRCh37 (hg19) VCF-style: chr7-21827041-T-C.
Other names: short protein forms L3255S.
Identifiers: ClinVar variation 3366368 (VCV003366368.1).
Genomic context (GRCh38, chr7:21,787,423, plus strand): 5'-AAAATGGGTTCATTGCAATAAATCTTTTTGCTTTGCAGGTTGATGATTTTTTGCAAGCAT[T>C]AATTAACTATGACAAAGAGCACATTCCAGAGAACTGTCTAAAAGTGGTGAATGAACACTA-3'
Protein context (NP_001264044.1, residues 3245-3265): MGKVDDFLQA[Leu3255Ser]INYDKEHIPE